The following is an entry in ClinVar:

ClinVar aggregate classification (germline): Pathogenic (1 of 4 stars; one submission).

Conditions:
Huntington disease-like 1 (HDL1). Also called: HUNTINGTON-LIKE NEURODEGENERATIVE DISORDER 1; HUNTINGTON-LIKE NEURODEGENERATIVE DISORDER, AUTOSOMAL DOMINANT; PRION DISEASE, EARLY-ONSET, WITH PROMINENT PSYCHIATRIC FEATURES. Identifiers: Orphanet 157941, MedGen C1864112, MONDO:0011299, OMIM 603218.

Submission:

Labcorp Genetics (formerly Invitae), Labcorp
Classification: Pathogenic for Huntington disease-like 1. Last evaluated: 2023-07-31. Review status: criteria provided, single submitter. Criteria: Invitae Variant Classification Sherloc (09022015). Collection method: clinical testing. Allele origin: germline.
Comment: This sequence change replaces alanine, which is neutral and non-polar, with valine, which is neutral and non-polar, at codon 117 of the PRNP protein (p.Ala117Val). Information on the frequency of this variant in the gnomAD database is not available, as this variant may be reported differently in the database. This missense change has been observed in individuals with inherited prion disease (PMID: 7501157, 10506086, 11385020). It has also been observed to segregate with disease in related individuals. An algorithm developed to predict the effect of missense changes on protein structure and function (PolyPhen-2) suggests that this variant is likely to be disruptive. Experimental studies have shown that this missense change affects PRNP function (PMID: 10698707, 21298055). For these reasons, this variant has been classified as Pathogenic.

Literature cited by the submitters: PubMed 7501157; PubMed 10506086; PubMed 11385020; PubMed 10698707; PubMed 21298055.

NM_000311.5(PRNP):c.350_351inv (p.Ala117Val)

Gene: PRNP (prion protein (Kanno blood group); plus strand). Cytogenetic location: 20p13.
Variant type: Inversion.
Coding change: c.350_351inv on transcript NM_000311.5 (MANE Select).
Protein change: p.Ala117Val; replaces alanine 117 with valine.
Molecular consequence: missense variant. On other transcripts: 3 prime UTR variant (1).
Genome position: GRCh38 VCF-style: chr20-4699570-CA-TG. GRCh37 (hg19) VCF-style: chr20-4680216-CA-TG.
Other names: c.350_351inv, p.Ala117Val (NM_001080121.3, NM_001080122.3, NM_001080123.3 and 1 more transcripts); c.*39_*40inv (NM_001271561.3); short protein forms A117V.
Identifiers: ClinVar variation 2815837 (VCV002815837.3), ClinGen allele CA2739277062.
Genomic context (GRCh38, chr20:4,699,570, plus strand): 5'-GTCAGTGGAACAAGCCGAGTAAGCCAAAAACCAACATGAAGCACATGGCTGGTGCTGCAG[CA>TG]GCTGGGGCAGTGGTGGGGGGCCTTGGCGGCTACATGCTGGGAAGTGCCATGAGCAGGCCC-3'
Protein context (NP_000302.1, residues 107-127): TNMKHMAGAA[Ala117Val]AGAVVGGLGG